The following is an entry in ClinVar:

NM_024675.4(PALB2):c.2806T>C (p.Leu936=)

Gene: PALB2 (partner and localizer of BRCA2; minus strand). Cytogenetic location: 16p12.2.
Variant type: single nucleotide variant.
Coding change: c.2806T>C on transcript NM_024675.4 (MANE Select); coding-DNA position 2806, T replaced by C.
Protein change: p.Leu936=; no amino-acid change (leucine 936 retained).
Molecular consequence: synonymous variant.
Genome position (GRCh38, 1-based): chr16:23,624,037, A>G on the plus strand (T>C on the coding strand, the complement: PALB2 is on the minus strand). VCF-style: chr16-23624037-A-G. GRCh37 (hg19) VCF-style: chr16-23635358-A-G.
Other names: c.2806T>C (NM_024675.3).
Identifiers: ClinVar variation 1151297 (VCV001151297.12), dbSNP rs2142343280, ClinGen allele CA494181112.
Genomic context (GRCh38, chr16:23,624,037, plus strand): 5'-GAAAAACAAATCACTCCTTGGGAATTACATACCTGATCTCTCTGATTTCCAAATTTCCCA[A>G]AGCTACACACACGAGATTATACACATCAGGCACTGGAACTATCTGTAATACTGGAACCTA-3'
Protein context (NP_078951.2, residues 926-946): PDVYNLVCVA[Leu936=]GNLEIREIRA

ClinVar aggregate classification (germline): Conflicting classifications of pathogenicity. Review status: criteria provided, conflicting classifications (1 of 4 stars). 4 submissions from 4 submitters: Uncertain significance (1); Benign (1); Likely benign (2). Last evaluated 2025-04-05.

Conditions:
Hereditary cancer-predisposing syndrome. Also called: Tumor predisposition; Neoplastic Syndromes, Hereditary; Hereditary neoplastic syndrome; Hereditary Cancer Syndrome. Identifiers: Orphanet 140162, MedGen C0027672, MeSH D009386, MONDO:0015356.
Familial cancer of breast. Also called: Hereditary breast cancer; hereditary breast carcinoma; BREAST CANCER, FAMILIAL. Identifiers: Orphanet 227535, MedGen C0346153, MONDO:0016419, OMIM 114480. Disease mechanism: loss of function.

Submissions (4):

Ambry Genetics
Classification: Likely benign for Hereditary cancer-predisposing syndrome. Last evaluated: 2025-04-05. Review status: criteria provided, single submitter. Criteria: Ambry Variant Classification Scheme 2023. Collection method: clinical testing. Allele origin: germline.

Myriad Genetics, Inc.
Classification: Benign for Familial cancer of breast. Last evaluated: 2025-01-17. Review status: criteria provided, single submitter. Criteria: Myriad Autosomal Dominant, Autosomal Recessive and X-Linked Classification Criteria (2023). Collection method: clinical testing. Allele origin: unknown.
Comment: This variant is considered benign. This variant is a silent/synonymous amino acid change and it is not expected to impact splicing.

GeneDx
Classification: Uncertain significance. Last evaluated: 2022-11-01. Review status: criteria provided, single submitter. Criteria: GeneDx Variant Classification Process June 2021. Collection method: clinical testing. Allele origin: germline. Affected: yes.
Comment: Not observed at significant frequency in large population cohorts (gnomAD); In silico analysis supports that this variant does not alter splicing; Has not been previously published as pathogenic or benign to our knowledge

Labcorp Genetics (formerly Invitae), Labcorp
Classification: Likely benign for Familial cancer of breast. Last evaluated: 2022-08-08. Review status: criteria provided, single submitter. Criteria: Invitae Variant Classification Sherloc (09022015). Collection method: clinical testing. Allele origin: germline.